The following is an entry in ClinVar:

ClinVar aggregate classification (germline): Conflicting classifications of pathogenicity. Review status: criteria provided, conflicting classifications (1 of 4 stars). 2 submissions from 2 submitters: Likely pathogenic (1); Uncertain significance (1). Last evaluated 2025-06-29.

Conditions:
Autosomal recessive osteopetrosis 4. Also called: CLCN7-Related Osteopetrosis; infantile malignant CLCN7-related recessive osteopetrosis. Identifiers: Orphanet 667, MedGen C1969106, MONDO:0012676, OMIM 611490.

Allele frequency attached by ClinVar (database versions not stated): gnomAD exomes below 0.00001; ExAC 0.00001.

Submissions (2):

Labcorp Genetics (formerly Invitae), Labcorp
Classification: Uncertain significance. Last evaluated: 2025-06-29. Review status: criteria provided, single submitter. Criteria: Invitae Variant Classification Sherloc (09022015). Collection method: clinical testing. Allele origin: germline.
Comment: This sequence change replaces arginine, which is basic and polar, with glutamine, which is neutral and polar, at codon 561 of the CLCN7 protein (p.Arg561Gln). This variant is present in population databases (rs757788894, gnomAD 0.0009%). This missense change has been observed in individual(s) with autosomal recessive osteopetrosis (PMID: 19238435). ClinVar contains an entry for this variant (Variation ID: 488379). Invitae Evidence Modeling of protein sequence and biophysical properties (such as structural, functional, and spatial information, amino acid conservation, physicochemical variation, residue mobility, and thermodynamic stability) indicates that this missense variant is expected to disrupt CLCN7 protein function with a positive predictive value of 95%. In summary, the available evidence is currently insufficient to determine the role of this variant in disease. Therefore, it has been classified as a Variant of Uncertain Significance.

Victorian Clinical Genetics Services, Murdoch Childrens Research Institute
Classification: Likely pathogenic for Autosomal recessive osteopetrosis 4. Last evaluated: 2022-06-24. Review status: criteria provided, single submitter. Criteria: ACMG Guidelines, 2015. Collection method: clinical testing. Allele origin: germline. Inheritance: Autosomal recessive inheritance. Affected: yes.
Comment: Based on the classification scheme VCGS_Germline_v1.3.4, this variant is classified as Likely pathogenic. Following criteria are met: 0102 - Loss of function is a known mechanism of disease in this gene and is associated with autosomal dominant osteopetrosis type II (MIM#166600) and autosomal Recessive osteopetrosis 4 (MIM#611490). (I) 0108 - This gene is associated with both recessive and dominant disease (OMIM). (I) 0112 - The condition associated with this gene has incomplete penetrance associated with autosomal dominant osteopetrosis type II (MIM#166600) (OMIM, GeneReviews). (I) 0115 - Variants in this gene are known to have variable expressivity associated with autosomal dominant osteopetrosis type II (MIM#166600) (OMIM, GeneReviews). (I) 0200 - Variant is predicted to result in a missense amino acid change from arginine to glutamine. (I) 0252 - This variant is homozygous. (I) 0304 - Variant is present in gnomAD (v2) <0.01 (1 heterozygote, 0 homozygotes). (SP) 0309 - An alternative amino acid change at the same position has been observed in gnomAD (v3) (p.(Arg561Trp): 1 heterozygote, 0 homozygotes). (I) 0504 - Same amino acid change has been observed in one placental mammal. However, it should be noted that the variant is consistently predicted to be damaging by multiple in silico tools. (SB) 0600 - Variant is located in the annotated Voltage_CLC domain (DECIPHER). (I) 0705 - No comparable missense variants have previous evidence for pathogenicity. (I) 0803 - This variant has limited previous evidence of pathogenicity in an unrelated family. This variant has been reported as homozygous in two siblings with osteopetrosis (PMID: 19238435). (SP) 0906 - Segregation evidence for this variant is inconclusive. There is insufficient information to determine the segregation of the variant with disease (PMID: 19238435). (I) 1007 - No published functional evidence has been identified for this variant. (I) 1101 - Very strong and specific phenotype match for this individual. (I) Legend: (SP) - Supporting pathogenic, (I) - Information, (SB) - Supporting benign

Literature cited by the submitters: PubMed 19238435 (cited by Labcorp Genetics (formerly Invitae), Labcorp and Victorian Clinical Genetics Services, Murdoch Childrens Research Institute).

NM_001287.6(CLCN7):c.1682G>A (p.Arg561Gln)

Gene: CLCN7 (Cl-/H+ antiporter 7; minus strand). Cytogenetic location: 16p13.3.
Variant type: single nucleotide variant.
Coding change: c.1682G>A on transcript NM_001287.6 (MANE Select); coding-DNA position 1682, G replaced by A.
Protein change: p.Arg561Gln; replaces arginine 561 with glutamine.
Molecular consequence: missense variant.
Genome position (GRCh38, 1-based): chr16:1,449,081, C>T on the plus strand (G>A on the coding strand, the complement: CLCN7 is on the minus strand). VCF-style: chr16-1449081-C-T. GRCh37 (hg19) VCF-style: chr16-1499082-C-T.
Other names: c.1610G>A, p.Arg537Gln (NM_001114331.3); c.1682G>A (NM_001287.5); short protein forms R537Q, R561Q.
Identifiers: ClinVar variation 488379 (VCV000488379.4), dbSNP rs757788894, ClinGen allele CA7810105.